The following is an entry in ClinVar:

NM_145698.5(ACBD5):c.377T>C (p.Ile126Thr)

Gene: ACBD5 (acyl-CoA binding domain containing 5; minus strand). Cytogenetic location: 10p12.1.
Variant type: single nucleotide variant.
Coding change: c.377T>C on transcript NM_145698.5 (MANE Select); coding-DNA position 377, T replaced by C.
Protein change: p.Ile126Thr; replaces isoleucine 126 with threonine.
Molecular consequence: missense variant.
Genome position (GRCh38, 1-based): chr10:27,223,451, A>G on the plus strand (T>C on the coding strand, the complement: ACBD5 is on the minus strand). VCF-style: chr10-27223451-A-G. GRCh37 (hg19) VCF-style: chr10-27512380-A-G.
Other names: c.272T>C, p.Ile91Thr (NM_001042473.4, NM_001352574.2, NM_001352575.2 and 6 more transcripts); c.371T>C, p.Ile124Thr (NM_001271512.3, NM_001352571.1, NM_001352586.1 and 1 more transcripts); c.50T>C, p.Ile17Thr (NM_001301251.2, NM_001301252.2, NM_001301253.2 and 4 more transcripts); c.398T>C, p.Ile133Thr (NM_001352568.1, NM_001352572.1); c.377T>C, p.Ile126Thr (NM_001352569.1, NM_001352570.1, NM_001352573.1 and 2 more transcripts); short protein forms I126T, I133T, I91T, I124T, I17T.
Identifiers: ClinVar variation 1039371 (VCV001039371.8), dbSNP rs2062617916, ClinGen allele CA376376857.
Genomic context (GRCh38, chr10:27,223,451, plus strand): 5'-AATGGACCTATGACACGCAGCAATTCTTCAACTTTCTCAGTCATTGGCATAGTTTCAATA[A>G]TCTGTAATCAAAAGAAACAAATATTGTGAAATCACAAACTCTTAATTTGATCTCCACTAA-3'
Protein context (NP_663736.2, residues 116-136): MIAYVEEMKK[Ile126Thr]IETMPMTEKV

ClinVar aggregate classification (germline): Uncertain significance (1 of 4 stars; one submission).

Submission:

Labcorp Genetics (formerly Invitae), Labcorp
Classification: Uncertain significance. Last evaluated: 2023-04-28. Review status: criteria provided, single submitter. Criteria: Invitae Variant Classification Sherloc (09022015). Collection method: clinical testing. Allele origin: germline.
Comment: This sequence change replaces isoleucine, which is neutral and non-polar, with threonine, which is neutral and polar, at codon 126 of the ACBD5 protein (p.Ile126Thr). This variant is not present in population databases (gnomAD no frequency). This missense change has been observed in individual(s) with clinical features of retinal dystrophy (Invitae). ClinVar contains an entry for this variant (Variation ID: 1039371). An algorithm developed to predict the effect of missense changes on protein structure and function (PolyPhen-2) suggests that this variant is likely to be disruptive. In summary, the available evidence is currently insufficient to determine the role of this variant in disease. Therefore, it has been classified as a Variant of Uncertain Significance.